The following is an entry in ClinVar:

ClinVar aggregate classification (germline): Uncertain significance. Review status: criteria provided, multiple submitters, no conflicts (2 of 4 stars). 2 submissions from 2 submitters: Uncertain significance (2). Last evaluated 2022-03-24.

Conditions:
Inborn genetic diseases. Identifiers: MedGen C0950123, MeSH D030342.

Allele frequency attached by ClinVar (database versions not stated): gnomAD exomes below 0.00001.
gnomAD v4.1: 2 of 1,610,376 alleles (0.00012%); highest among the groups gnomAD compares: Non-Finnish European, 0.00017%; no homozygotes.

Submissions (2):

Ambry Genetics
Classification: Uncertain significance for Inborn genetic diseases. Last evaluated: 2022-03-24. Review status: criteria provided, single submitter. Criteria: Ambry Variant Classification Scheme 2023. Collection method: clinical testing. Allele origin: germline.
Comment: The p.C212Y variant (also known as c.635G>A), located in coding exon 7 of the MDH2 gene, results from a G to A substitution at nucleotide position 635. The cysteine at codon 212 is replaced by tyrosine, an amino acid with highly dissimilar properties. This amino acid position is conserved. In addition, this alteration is predicted to be deleterious by in silico analysis. Since supporting evidence is limited at this time, the clinical significance of this alteration remains unclear.

Labcorp Genetics (formerly Invitae), Labcorp
Classification: Uncertain significance. Last evaluated: 2021-04-16. Review status: criteria provided, single submitter. Criteria: Invitae Variant Classification Sherloc (09022015). Collection method: clinical testing. Allele origin: germline.
Comment: In summary, the available evidence is currently insufficient to determine the role of this variant in disease. Therefore, it has been classified as a Variant of Uncertain Significance. Algorithms developed to predict the effect of missense changes on protein structure and function are either unavailable or do not agree on the potential impact of this missense change (SIFT: "Tolerated"; PolyPhen-2: "Probably Damaging"; Align-GVGD: "Class C0"). This sequence change replaces cysteine with tyrosine at codon 212 of the MDH2 protein (p.Cys212Tyr). The cysteine residue is moderately conserved and there is a large physicochemical difference between cysteine and tyrosine. This variant is not present in population databases (ExAC no frequency). This variant has not been reported in the literature in individuals with MDH2-related conditions.

NM_005918.4(MDH2):c.635G>A (p.Cys212Tyr)

Gene: MDH2 (malate dehydrogenase 2; plus strand). Cytogenetic location: 7q11.23.
Variant type: single nucleotide variant.
Coding change: c.635G>A on transcript NM_005918.4 (MANE Select); coding-DNA position 635, G replaced by A.
Protein change: p.Cys212Tyr; replaces cysteine 212 with tyrosine.
Molecular consequence: missense variant.
Genome position (GRCh38, 1-based): chr7:76,064,340, G>A. VCF-style: chr7-76064340-G-A. GRCh37 (hg19) VCF-style: chr7-75693658-G-A.
Other names: c.509G>A, p.Cys170Tyr (NM_001282403.2); c.314G>A, p.Cys105Tyr (NM_001282404.2); short protein forms C212Y, C170Y, C105Y.
Identifiers: ClinVar variation 1345963 (VCV001345963.9), dbSNP rs1040576163, ClinGen allele CA160913319.
Genomic context (GRCh38, chr7:76,064,340, plus strand): 5'-CAGTGGGTCTGGGGTCATGGGCCGGAAGCCACTCACTGATCCCATGGCTTGGCTTGCAGT[G>A]CACCCCCAAGGTGGACTTTCCCCAGGACCAGCTGACAGCACTCACTGGGCGGATCCAGGA-3'
Protein context (NP_005909.2, residues 202-222): GKTIIPLISQ[Cys212Tyr]TPKVDFPQDQ